The following is an entry in ClinVar:

NM_003200.5(TCF3):c.1721G>T (p.Arg574Leu)

Gene: TCF3 (transcription factor 3; minus strand). Cytogenetic location: 19p13.3.
Variant type: single nucleotide variant.
Coding change: c.1721G>T on transcript NM_003200.5 (MANE Select); coding-DNA position 1721, G replaced by T.
Protein change: p.Arg574Leu; replaces arginine 574 with leucine.
Molecular consequence: missense variant. On other transcripts: intron variant (2).
Genome position (GRCh38, 1-based): chr19:1,615,386, C>A on the plus strand (G>T on the coding strand, the complement: TCF3 is on the minus strand). VCF-style: chr19-1615386-C-A. GRCh37 (hg19) VCF-style: chr19-1615385-C-A.
Other names: c.1718G>T, p.Arg573Leu (NM_001351778.2); c.1586+300G>T (NM_001136139.4, NM_001351779.2); short protein forms R574L, R573L.
Identifiers: ClinVar variation 2703339 (VCV002703339.3), dbSNP rs749950119, ClinGen allele CA9049645.
Genomic context (GRCh38, chr19:1,615,386, plus strand): 5'-TGGTGCAGGATGAGCAGTTTGGTCTGGGGCTTCTCGCTGTTGAGGTGCAGTTGGCACATG[C>A]GCCCCAGCTCCTTAAAGGCCTCGTTGATGTCACGGACCCGCAGCCGCTCCCGGGCGTTAT-3'
Protein context (NP_003191.1, residues 564-584): DINEAFKELG[Arg574Leu]MCQLHLNSEK

ClinVar aggregate classification (germline): Uncertain significance (1 of 4 stars; one submission).

gnomAD v4.1: 2 of 1,614,042 alleles (0.00012%); highest among the groups gnomAD compares: East Asian, 0.0022%; no homozygotes.

Submission:

Labcorp Genetics (formerly Invitae), Labcorp
Classification: Uncertain significance. Last evaluated: 2023-12-15. Review status: criteria provided, single submitter. Criteria: Invitae Variant Classification Sherloc (09022015). Collection method: clinical testing. Allele origin: germline.
Comment: This sequence change replaces arginine, which is basic and polar, with leucine, which is neutral and non-polar, at codon 574 of the TCF3 protein (p.Arg574Leu). This variant is present in population databases (rs749950119, gnomAD 0.006%). This variant has not been reported in the literature in individuals affected with TCF3-related conditions. Advanced modeling of protein sequence and biophysical properties (such as structural, functional, and spatial information, amino acid conservation, physicochemical variation, residue mobility, and thermodynamic stability) performed at Invitae indicates that this missense variant is expected to disrupt TCF3 protein function with a positive predictive value of 80%. In summary, the available evidence is currently insufficient to determine the role of this variant in disease. Therefore, it has been classified as a Variant of Uncertain Significance.